The following is an entry in ClinVar:

NM_000545.8(HNF1A):c.1139del (p.Val380fs)

Gene: HNF1A (HNF1 homeobox A; plus strand). Cytogenetic location: 12q24.31.
Variant type: Deletion.
Coding change: c.1139del on transcript NM_000545.8 (MANE Select); coding-DNA position 1139, one base deleted (T; older notation c.1139delT).
Protein change: p.Val380fs; shifts the reading frame from valine 380.
Molecular consequence: frameshift variant.
Genome position (GRCh38, 1-based): chr12:120,996,572, T deleted. VCF-style (leftmost placement, unchanged base first): chr12-120996571-GT-G. GRCh37 (hg19) VCF-style: chr12-121434374-GT-G.
Other names: c.1139del, p.Val380fs (NM_001306179.2); short protein forms V380fs.
Identifiers: ClinVar variation 916726 (VCV000916726.2), dbSNP rs1877113317, ClinGen allele CA1139662931.

ClinVar aggregate classification (germline): Likely pathogenic. Review status: criteria provided, single submitter (1 of 4 stars). 2 submissions from 2 submitters: Likely pathogenic (1). 1 of the submissions does not count toward it.

Conditions:
Maturity-onset diabetes of the young (MODY). Also called: Maturity onset diabetes mellitus in young. Identifiers: Orphanet 552, MedGen C0342276, MONDO:0018911, HP:0004904.
Diabetes mellitus. Also called: Diabetes mellitus (disease). Identifiers: MedGen C0011849, MONDO:0005015, HP:0000819.

Submissions (2):

Clinical Genomics, Uppaluri K&H Personalized Medicine Clinic
Classification: Likely pathogenic for Maturity-onset diabetes of the young. Review status: criteria provided, single submitter. Criteria: K & H Uppaluri Personalized Medicine Clinic Variant Classification & Assertion Criteria_Updated V.1. Collection method: research. Allele origin: unknown. Inheritance: Autosomal dominant inheritance.
Comment: Mutations in HNF1A gene can predispose to MODY3. It is associated with both micro and macrovascular complications of diabetes, especially cardiovascular complications. Associated with glucosuria. May respond well to sulfonylureas. However, more evidence is required to confer the association of this particular variant rs1877113317 with MODY3.

Constantin Polychronakos Laboratory, The Research Institute of the McGill University Health Centre
Classification: Pathogenic for Diabetes mellitus. Review status: no assertion criteria provided. Collection method: research. Allele origin: maternal. Inheritance: Autosomal dominant inheritance. Affected: yes. Study: T1DGC. Not counted in ClinVar's aggregate classification.
Comment: PVS1 PS1 PM2

Literature cited by the submitters: PubMed 31517624 (cited by Clinical Genomics, Uppaluri K&H Personalized Medicine Clinic); PubMed 32395877 (cited by Clinical Genomics, Uppaluri K&H Personalized Medicine Clinic); PubMed 35328643 (cited by Clinical Genomics, Uppaluri K&H Personalized Medicine Clinic); PubMed 35673428 (cited by Clinical Genomics, Uppaluri K&H Personalized Medicine Clinic).